The following is an entry in ClinVar:

ClinVar aggregate classification (germline): Uncertain significance. Review status: criteria provided, multiple submitters, no conflicts (2 of 4 stars). 2 submissions from 2 submitters: Uncertain significance (2). Last evaluated 2025-09-11.

Conditions:
Hereditary cancer-predisposing syndrome. Also called: Hereditary neoplastic syndrome; Neoplastic Syndromes, Hereditary; Tumor predisposition; Hereditary Cancer Syndrome. Identifiers: Orphanet 140162, MedGen C0027672, MeSH D009386, MONDO:0015356.
Neuroblastoma, susceptibility to, 3. Also called: ALK-Related Neuroblastic Tumor Susceptibility. Identifiers: Orphanet 635, MedGen C2751681, MONDO:0013083, OMIM 613014.

Allele frequency attached by ClinVar (database versions not stated): gnomAD exomes below 0.00001.
gnomAD v4.1: 2 of 1,614,078 alleles (0.00012%); highest among the groups gnomAD compares: Non-Finnish European, 0.00017%; no homozygotes.

Submissions (2):

Labcorp Genetics (formerly Invitae), Labcorp
Classification: Uncertain significance for Neuroblastoma, susceptibility to, 3. Last evaluated: 2025-09-11. Review status: criteria provided, single submitter. Criteria: Invitae Variant Classification Sherloc (09022015). Collection method: clinical testing. Allele origin: germline.
Comment: This sequence change replaces isoleucine, which is neutral and non-polar, with asparagine, which is neutral and polar, at codon 762 of the ALK protein (p.Ile762Asn). This variant is present in population databases (no rsID available, gnomAD 0.0009%). This variant has not been reported in the literature in individuals affected with ALK-related conditions. ClinVar contains an entry for this variant (Variation ID: 470786). An algorithm developed to predict the effect of missense changes on protein structure and function (PolyPhen-2) suggests that this variant is likely to be tolerated. In summary, the available evidence is currently insufficient to determine the role of this variant in disease. Therefore, it has been classified as a Variant of Uncertain Significance.

Ambry Genetics
Classification: Uncertain significance for Hereditary cancer-predisposing syndrome. Last evaluated: 2022-03-16. Review status: criteria provided, single submitter. Criteria: Ambry Variant Classification Scheme 2023. Collection method: clinical testing. Allele origin: germline.
Comment: The p.I762N variant (also known as c.2285T>A), located in coding exon 13 of the ALK gene, results from a T to A substitution at nucleotide position 2285. The isoleucine at codon 762 is replaced by asparagine, an amino acid with dissimilar properties. This amino acid position is conserved. In addition, this alteration is predicted to be tolerated by in silico analysis. Since supporting evidence is limited at this time, the clinical significance of this alteration remains unclear.

NM_004304.5(ALK):c.2285T>A (p.Ile762Asn)

Gene: ALK (ALK receptor tyrosine kinase; minus strand). Cytogenetic location: 2p23.2.
Variant type: single nucleotide variant.
Coding change: c.2285T>A on transcript NM_004304.5 (MANE Select); coding-DNA position 2285, T replaced by A.
Protein change: p.Ile762Asn; replaces isoleucine 762 with asparagine.
Molecular consequence: missense variant.
Genome position (GRCh38, 1-based): chr2:29,239,750, A>T on the plus strand (T>A on the coding strand, the complement: ALK is on the minus strand). VCF-style: chr2-29239750-A-T. GRCh37 (hg19) VCF-style: chr2-29462616-A-T.
Other names: short protein forms I762N.
Identifiers: ClinVar variation 470786 (VCV000470786.11), dbSNP rs1169776576, ClinGen allele CA346474482.
Genomic context (GRCh38, chr2:29,239,750, plus strand): 5'-GCGTCCTCTCCCTGCTGCCCAACCAGGATGTACAGCATGTCATCCTTCTCCAGGTTGAAG[A>T]TGCCCAGCACAGACACGCCGTGGGACCGCATCATGGTGTTCTTCCCGCCTTTCCCGCCAG-3'
Protein context (NP_004295.2, residues 752-772): MRSHGVSVLG[Ile762Asn]FNLEKDDMLY